The following is an entry in ClinVar:

NM_001184880.2(PCDH19):c.1700C>T (p.Pro567Leu)

Gene: PCDH19 (protocadherin 19; minus strand). Cytogenetic location: Xq22.1.
Variant type: single nucleotide variant.
Coding change: c.1700C>T on transcript NM_001184880.2 (MANE Select); coding-DNA position 1700, C replaced by T.
Protein change: p.Pro567Leu; replaces proline 567 with leucine.
Molecular consequence: missense variant.
Genome position (GRCh38, 1-based): chrX:100,406,898, G>A on the plus strand (C>T on the coding strand, the complement: PCDH19 is on the minus strand). VCF-style: chrX-100406898-G-A. GRCh37 (hg19) VCF-style: chrX-99661896-G-A.
Other names: c.1700C>T, p.Pro567Leu (NM_001105243.2, NM_020766.3); short protein forms P567L.
Identifiers: ClinVar variation 449356 (VCV000449356.15), dbSNP rs201989363, ClinGen allele CA414002159.

ClinVar aggregate classification (germline): Conflicting classifications of pathogenicity. Review status: criteria provided, conflicting classifications (1 of 4 stars). 4 submissions from 4 submitters: Pathogenic (2); Uncertain significance (2). Last evaluated 2026-09-19.

Conditions:
Developmental and epileptic encephalopathy, 9 (DEE9). Also called: EPILEPSY, FEMALE-RESTRICTED, WITH MENTAL RETARDATION; PCDH19-Related X-Linked Female-Limited Epilepsy with Mental Retardation; Early infantile epileptic encephalopathy 9; JUBERG-HELLMAN SYNDROME. Identifiers: Orphanet 101039, Orphanet 2076, MedGen C1848137, MONDO:0010246, OMIM 300088. Disease mechanism: loss of function.

Submissions (4):

GeneDx
Classification: Uncertain significance. Last evaluated: 2026-09-19. Review status: criteria provided, single submitter. Criteria: GeneDx Variant Classification Process June 2021. Collection method: clinical testing. Allele origin: germline.
Comment: In silico analysis suggests that this missense variant does not alter protein structure/function; Not observed at significant frequency in large population cohorts (gnomAD); This variant is associated with the following publications: (PMID: 25499160, 23334464, 27787195, 30451291, 21053371, 30530412, 34082468, 22946748)

Blueprint Genetics
Classification: Uncertain significance. Last evaluated: 2024-08-09. Review status: criteria provided, single submitter. Criteria: ACMG Guidelines, 2015. Collection method: clinical testing. Allele origin: germline.

Labcorp Genetics (formerly Invitae), Labcorp
Classification: Pathogenic for Developmental and epileptic encephalopathy, 9. Last evaluated: 2022-06-17. Review status: criteria provided, single submitter. Criteria: Invitae Variant Classification Sherloc (09022015). Collection method: clinical testing. Allele origin: germline.
Comment: For these reasons, this variant has been classified as Pathogenic. Experimental studies have shown that this missense change affects PCDH19 function (PMID: 34082468). Advanced modeling of protein sequence and biophysical properties (such as structural, functional, and spatial information, amino acid conservation, physicochemical variation, residue mobility, and thermodynamic stability) performed at Invitae indicates that this missense variant is not expected to disrupt PCDH19 protein function. ClinVar contains an entry for this variant (Variation ID: 449356). This missense change has been observed in individual(s) with PCDH19-related conditions (PMID: 21053371, 30530412). In at least one individual the variant was observed to be de novo. This variant is not present in population databases (gnomAD no frequency). This sequence change replaces proline, which is neutral and non-polar, with leucine, which is neutral and non-polar, at codon 567 of the PCDH19 protein (p.Pro567Leu).

Fulgent Genetics
Classification: Pathogenic for Developmental and epileptic encephalopathy, 9. Last evaluated: 2018-10-31. Review status: criteria provided, single submitter. Criteria: ACMG Guidelines, 2015. Collection method: clinical testing. Allele origin: unknown.

Literature cited by the submitters: PubMed 34082468 (cited by Labcorp Genetics (formerly Invitae), Labcorp); PubMed 21053371 (cited by Labcorp Genetics (formerly Invitae), Labcorp); PubMed 30530412 (cited by Labcorp Genetics (formerly Invitae), Labcorp).